The following is an entry in ClinVar:

ClinVar aggregate classification (germline): Uncertain significance (1 of 4 stars; one submission).

Conditions:
Autosomal recessive limb-girdle muscular dystrophy type 2J (LGMDR10). Also called: Limb-girdle muscular dystrophy, type 2J; MUSCULAR DYSTROPHY, LIMB-GIRDLE, AUTOSOMAL RECESSIVE 10. Identifiers: Orphanet 140922, MedGen C1837342, MONDO:0012127, OMIM 608807.
Dilated cardiomyopathy 1G (CMD1G). Identifiers: Orphanet 154, MedGen C1858763, MONDO:0011400, OMIM 604145.

Allele frequency attached by ClinVar (database versions not stated): gnomAD 0.00002; TOPMed 0.00002.
gnomAD v4.1: 3 of 1,613,862 alleles (0.00019%); highest among the groups gnomAD compares: African/African-American, 0.004%; no homozygotes.

Submission:

Labcorp Genetics (formerly Invitae), Labcorp
Classification: Uncertain significance for Dilated cardiomyopathy 1G; Autosomal recessive limb-girdle muscular dystrophy type 2J. Last evaluated: 2022-10-17. Review status: criteria provided, single submitter. Criteria: Invitae Variant Classification Sherloc (09022015). Collection method: clinical testing. Allele origin: germline.
Comment: In summary, the available evidence is currently insufficient to determine the role of this variant in disease. Therefore, it has been classified as a Variant of Uncertain Significance. This variant is located in the M band of TTN (PMID: 25589632). Variants in this region may be relevant for neuromuscular disorders, but have not been definitively shown to cause cardiomyopathy (PMID: 23975875). Experimental studies and prediction algorithms are not available or were not evaluated, and the functional significance of this variant is currently unknown. ClinVar contains an entry for this variant (Variation ID: 466744). This variant has not been reported in the literature in individuals affected with TTN-related conditions. This variant is not present in population databases (gnomAD no frequency). This sequence change replaces valine, which is neutral and non-polar, with methionine, which is neutral and non-polar, at codon 35306 of the TTN protein (p.Val35306Met).

Literature cited by the submitters: PubMed 25589632; PubMed 23975875.

NM_001267550.2(TTN):c.105916G>A (p.Val35306Met)

Genes: TTN (titin; minus strand), TTN-AS1 (TTN antisense RNA 1; plus strand), LOC129935183 (ATAC-STARR-seq lymphoblastoid active region 16808; plus strand). Cytogenetic location: 2q31.2.
Variant type: single nucleotide variant.
Coding change: c.105916G>A on transcript NM_001267550.2 (MANE Select); coding-DNA position 105916, G replaced by A.
Protein change: p.Val35306Met; replaces valine 35306 with methionine.
Molecular consequence: missense variant.
Genome position (GRCh38, 1-based): chr2:178,530,699, C>T on the plus strand (G>A on the coding strand, the complement: TTN is on the minus strand). VCF-style: chr2-178530699-C-T. GRCh37 (hg19) VCF-style: chr2-179395426-C-T.
Other names: c.100993G>A, p.Val33665Met (NM_001256850.1); c.78721G>A, p.Val26241Met (NM_003319.4); c.98212G>A, p.Val32738Met (NM_133378.4); c.79096G>A, p.Val26366Met (NM_133432.3); c.79297G>A, p.Val26433Met (NM_133437.4); short protein forms V35306M, V26366M, V32738M, V33665M, V26433M, V26241M.
Identifiers: ClinVar variation 466744 (VCV000466744.7), dbSNP rs1434315858, ClinGen allele CA349407476.